The following is an entry in ClinVar:

ClinVar aggregate classification (germline): Uncertain significance. Review status: criteria provided, multiple submitters, no conflicts (2 of 4 stars). 3 submissions from 3 submitters: Uncertain significance (2). 1 of the submissions does not count toward it. Last evaluated 2024-02-01.

Conditions:
Inborn genetic diseases. Identifiers: MedGen C0950123, MeSH D030342.
COL18A1-related disorder. Also called: COL18A1-related disorders; COL18A1-related condition.

Allele frequency attached by ClinVar (database versions not stated): gnomAD exomes 0.00002 and 0.00003; TOPMed 0.00002; ExAC 0.00003; gnomAD 0.00006.
gnomAD v4.1: 44 of 1,612,180 alleles (0.0027%); highest among the groups gnomAD compares: Admixed American, 0.013%; no homozygotes.

Submissions (3):

Labcorp Genetics (formerly Invitae), Labcorp
Classification: Uncertain significance. Last evaluated: 2024-02-01. Review status: criteria provided, single submitter. Criteria: Invitae Variant Classification Sherloc (09022015). Collection method: clinical testing. Allele origin: germline.
Comment: This sequence change replaces arginine, which is basic and polar, with glutamine, which is neutral and polar, at codon 327 of the COL18A1 protein (p.Arg327Gln). This variant is present in population databases (rs778198369, gnomAD 0.009%). This variant has not been reported in the literature in individuals affected with COL18A1-related conditions. ClinVar contains an entry for this variant (Variation ID: 1375063). Experimental studies and prediction algorithms are not available or were not evaluated, and the functional significance of this variant is currently unknown. In summary, the available evidence is currently insufficient to determine the role of this variant in disease. Therefore, it has been classified as a Variant of Uncertain Significance.

Ambry Genetics
Classification: Uncertain significance for Inborn genetic diseases. Last evaluated: 2021-09-17. Review status: criteria provided, single submitter. Criteria: Ambry Variant Classification Scheme 2023. Collection method: clinical testing. Allele origin: germline.

PreventionGenetics, part of Exact Sciences
Classification: Uncertain significance for COL18A1-related condition. Last evaluated: 2024-09-25. Review status: no assertion criteria provided. Collection method: clinical testing. Allele origin: germline. Not counted in ClinVar's aggregate classification.
Comment: The COL18A1 c.1520G>A variant is predicted to result in the amino acid substitution p.Arg507Gln. To our knowledge, this variant has not been reported in the literature. This variant is reported in 0.011% of alleles in individuals of Latino descent in gnomAD. At this time, the clinical significance of this variant is uncertain due to the absence of conclusive functional and genetic evidence.

NM_001379500.1(COL18A1):c.980G>A (p.Arg327Gln)

Gene: COL18A1 (collagen type XVIII alpha 1 chain; plus strand). Cytogenetic location: 21q22.3.
Variant type: single nucleotide variant.
Coding change: c.980G>A on transcript NM_001379500.1 (MANE Select); coding-DNA position 980, G replaced by A.
Protein change: p.Arg327Gln; replaces arginine 327 with glutamine.
Molecular consequence: missense variant.
Genome position (GRCh38, 1-based): chr21:45,477,462, G>A. VCF-style: chr21-45477462-G-A. GRCh37 (hg19) VCF-style: chr21-46897376-G-A.
Other names: NM_130445.2:c.980G>A; c.1520G>A, p.Arg507Gln (NM_030582.4); c.2225G>A, p.Arg742Gln (NM_130444.3); c.1520G>A (NM_030582.3); short protein forms R742Q, R327Q, R507Q.
Identifiers: ClinVar variation 1375063 (VCV001375063.6), dbSNP rs778198369, ClinGen allele CA10066033.